The following is an entry in ClinVar:

ClinVar aggregate classification (germline): Uncertain significance (1 of 4 stars; one submission).

gnomAD v4.1: 4 of 1,170,675 alleles (0.00034%); highest among the groups gnomAD compares: Middle Eastern, 0.023%; no homozygotes.

Submission:

Labcorp Genetics (formerly Invitae), Labcorp
Classification: Uncertain significance. Last evaluated: 2025-10-29. Review status: criteria provided, single submitter. Criteria: Invitae Variant Classification Sherloc (09022015). Collection method: clinical testing. Allele origin: germline.
Comment: This sequence change replaces proline, which is neutral and non-polar, with leucine, which is neutral and non-polar, at codon 415 of the CFP protein (p.Pro415Leu). The frequency data for this variant in the population databases is considered unreliable, as metrics indicate poor data quality at this position in the gnomAD database. This variant has not been reported in the literature in individuals affected with CFP-related conditions. An algorithm developed to predict the effect of missense changes on protein structure and function outputs the following: PolyPhen-2: "Benign". The leucine amino acid residue is found in multiple mammalian species, which suggests that this missense change does not adversely affect protein function. In summary, the available evidence is currently insufficient to determine the role of this variant in disease. Therefore, it has been classified as a Variant of Uncertain Significance.

NM_001145252.3(CFP):c.1244C>T (p.Pro415Leu)

Gene: CFP (complement factor properdin; minus strand). Cytogenetic location: Xp11.23.
Variant type: single nucleotide variant.
Coding change: c.1244C>T on transcript NM_001145252.3 (MANE Select); coding-DNA position 1244, C replaced by T.
Protein change: p.Pro415Leu; replaces proline 415 with leucine.
Molecular consequence: missense variant.
Genome position (GRCh38, 1-based): chrX:47,626,058, G>A on the plus strand (C>T on the coding strand, the complement: CFP is on the minus strand). VCF-style: chrX-47626058-G-A. GRCh37 (hg19) VCF-style: chrX-47485457-G-A.
Other names: c.1244C>T, p.Pro415Leu (NM_002621.2); short protein forms P415L.
Identifiers: ClinVar variation 4761217 (VCV004761217.1).